The following is an entry in ClinVar:

NM_001077653.2(TBX20):c.1173C>A (p.Ser391Arg)

Gene: TBX20 (T-box transcription factor 20; minus strand). Cytogenetic location: 7p14.2.
Variant type: single nucleotide variant.
Coding change: c.1173C>A on transcript NM_001077653.2 (MANE Select); coding-DNA position 1173, C replaced by A.
Protein change: p.Ser391Arg; replaces serine 391 with arginine.
Molecular consequence: missense variant.
Genome position (GRCh38, 1-based): chr7:35,202,601, G>T on the plus strand (C>A on the coding strand, the complement: TBX20 is on the minus strand). VCF-style: chr7-35202601-G-T. GRCh37 (hg19) VCF-style: chr7-35242213-G-T.
Other names: short protein forms S391R.
Identifiers: ClinVar variation 4810519 (VCV004810519.1).

ClinVar aggregate classification (germline): Uncertain significance (1 of 4 stars; one submission).

gnomAD v4.1: 3 of 1,613,908 alleles (0.00019%); highest among the groups gnomAD compares: Admixed American, 0.0033%; no homozygotes.

Submission:

Labcorp Genetics (formerly Invitae), Labcorp
Classification: Uncertain significance. Last evaluated: 2025-10-13. Review status: criteria provided, single submitter. Criteria: Invitae Variant Classification Sherloc (09022015). Collection method: clinical testing. Allele origin: germline.
Comment: This sequence change replaces serine, which is neutral and polar, with arginine, which is basic and polar, at codon 391 of the TBX20 protein (p.Ser391Arg). This variant is not present in population databases (gnomAD no frequency). This variant has not been reported in the literature in individuals affected with TBX20-related conditions. Invitae Evidence Modeling of protein sequence and biophysical properties (such as structural, functional, and spatial information, amino acid conservation, physicochemical variation, residue mobility, and thermodynamic stability) indicates that this missense variant is not expected to disrupt TBX20 protein function with a negative predictive value of 80%. In summary, the available evidence is currently insufficient to determine the role of this variant in disease. Therefore, it has been classified as a Variant of Uncertain Significance.